The following is an entry in ClinVar:

ClinVar aggregate classification (germline): Likely benign (1 of 4 stars; one submission).

Allele frequency attached by ClinVar (database versions not stated): gnomAD exomes below 0.00001; TOPMed 0.00001; gnomAD 0.00003.
gnomAD v4.1: 7 of 1,613,934 alleles (0.00043%); highest among the groups gnomAD compares: African/African-American, 0.0053%; no homozygotes.

Submission:

CeGaT Center for Human Genetics Tuebingen
Classification: Likely benign. Last evaluated: 2022-08-01. Review status: criteria provided, single submitter. Criteria: CeGaT Center For Human Genetics Tuebingen Variant Classification Criteria Version 2. Collection method: clinical testing. Allele origin: germline. Affected: yes. Observed: 1 variant allele.
Comment: TTC3: BP4, BP7

NM_001330683.2(TTC3):c.75T>C (p.Asp25=)

Gene: TTC3 (tetratricopeptide repeat domain 3; plus strand). Cytogenetic location: 21q22.13.
Variant type: single nucleotide variant.
Coding change: c.75T>C on transcript NM_001330683.2 (MANE Select); coding-DNA position 75, T replaced by C.
Protein change: p.Asp25=; no amino-acid change (aspartic acid 25 retained).
Molecular consequence: synonymous variant. On other transcripts: 5 prime UTR variant (1), intron variant (4).
Genome position (GRCh38, 1-based): chr21:37,087,332, T>C. VCF-style: chr21-37087332-T-C. GRCh37 (hg19) VCF-style: chr21-38459632-T-C.
Other names: c.75T>C, p.Asp25= (NM_001001894.3, NM_001320704.2, NM_003316.4); c.141T>C, p.Asp47= (NM_001320703.2); c.-2027T>C (NM_001353937.2); c.-86+13849T>C (NM_001353936.2); c.-86+13859T>C (NM_001330682.2); c.-1257+13859T>C (NM_001353938.2); c.-86+13968T>C (NM_001330681.2).
Identifiers: ClinVar variation 2652653 (VCV002652653.24), dbSNP rs930252432, ClinGen allele CA320421427.
Genomic context (GRCh38, chr21:37,087,332, plus strand): 5'-TGAGGGAGATTTCACTGTGGCGGATTATGCCTTGTTAGAAGATTGCCCTCACGTGGATGA[T>C]TGTGTCTTTGCTGCTGAATTTATGAGCAATGATTATGTTCGTGTGACTCAGCTTTACTGT-3'
Protein context (NP_001317612.1, residues 15-35): ALLEDCPHVD[Asp25=]CVFAAEFMSN